The following is an entry in ClinVar:

NM_004612.4(TGFBR1):c.994_999del (p.Arg332_Asp333del)

Gene: TGFBR1 (transforming growth factor beta receptor 1; plus strand). Cytogenetic location: 9q22.33.
Variant type: Deletion.
Coding change: c.994_999del on transcript NM_004612.4 (MANE Select); coding-DNA positions 994 to 999, 6 bases deleted (AGAGAT; older notation c.994_999delAGAGAT).
Protein change: p.Arg332_Asp333del.
Molecular consequence: inframe deletion.
Genome position (GRCh38, 1-based): chr9:99,144,752-99,144,757, AGAGAT deleted; deleting any 6 consecutive bases within chr9:99,144,750-99,144,757 gives the same sequence; the c. name uses the placement nearest the transcript's 3' end. VCF-style (leftmost placement, unchanged base first): chr9-99144749-CATAGAG-C. GRCh37 (hg19) VCF-style: chr9-101907031-CATAGAG-C.
Other names: c.763_768del, p.Arg255_Asp256del (NM_001130916.3); c.1006_1011del, p.Arg336_Asp337del (NM_001306210.2).
Identifiers: ClinVar variation 177890 (VCV000177890.8), dbSNP rs727504383, ClinGen allele CA008887.

ClinVar aggregate classification (germline): Uncertain significance. Review status: criteria provided, multiple submitters, no conflicts (2 of 4 stars). 2 submissions from 2 submitters: Uncertain significance (2). Last evaluated 2022-10-26.

Conditions:
Familial thoracic aortic aneurysm and aortic dissection (TAAD). Also called: Thoracic aortic aneurysms and dissections. Identifiers: Orphanet 91387, MedGen C4707243, MONDO:0019625.

Submissions (2):

Labcorp Genetics (formerly Invitae), Labcorp
Classification: Uncertain significance for Familial thoracic aortic aneurysm and aortic dissection. Last evaluated: 2022-10-26. Review status: criteria provided, single submitter. Criteria: Invitae Variant Classification Sherloc (09022015). Collection method: clinical testing. Allele origin: germline.
Comment: This variant, c.994_999del, results in the deletion of 2 amino acid(s) of the TGFBR1 protein (p.Arg332_Asp333del), but otherwise preserves the integrity of the reading frame. This variant is not present in population databases (gnomAD no frequency). This variant has been observed in individual(s) with clinical features of TGFBR1-related conditions (PMID: 24793577). ClinVar contains an entry for this variant (Variation ID: 177890). Experimental studies and prediction algorithms are not available or were not evaluated, and the functional significance of this variant is currently unknown. In summary, the available evidence is currently insufficient to determine the role of this variant in disease. Therefore, it has been classified as a Variant of Uncertain Significance.

Laboratory for Molecular Medicine, Mass General Brigham Personalized Medicine
Classification: Uncertain significance. Last evaluated: 2009-10-06. Review status: criteria provided, single submitter. Criteria: LMM Criteria. Collection method: clinical testing. Allele origin: germline. Observed: 1 variant allele.

Literature cited by the submitters: PubMed 24793577 (cited by Labcorp Genetics (formerly Invitae), Labcorp).